The following is an entry in ClinVar:

ClinVar aggregate classification (germline): Uncertain significance (1 of 4 stars; one submission).

Submission:

GeneDx
Classification: Uncertain significance. Last evaluated: 2022-09-08. Review status: criteria provided, single submitter. Criteria: GeneDx Variant Classification Process June 2021. Collection method: clinical testing. Allele origin: germline. Affected: yes.
Comment: Not observed at significant frequency in large population cohorts (gnomAD); In silico analysis supports that this missense variant has a deleterious effect on protein structure/function; Has not been previously published as pathogenic or benign to our knowledge

NM_002025.4(AFF2):c.2113C>T (p.Pro705Ser)

Gene: AFF2 (ALF transcription elongation factor 2; plus strand). Cytogenetic location: Xq28.
Variant type: single nucleotide variant.
Coding change: c.2113C>T on transcript NM_002025.4 (MANE Select); coding-DNA position 2113, C replaced by T.
Protein change: p.Pro705Ser; replaces proline 705 with serine.
Molecular consequence: missense variant.
Genome position (GRCh38, 1-based): chrX:148,956,158, C>T. VCF-style: chrX-148956158-C-T. GRCh37 (hg19) VCF-style: chrX-148037688-C-T.
Other names: c.2014C>T, p.Pro672Ser (NM_001169122.2); c.2083C>T, p.Pro695Ser (NM_001169123.2); c.2008C>T, p.Pro670Ser (NM_001169124.2); c.1996C>T, p.Pro666Ser (NM_001169125.2); c.1036C>T, p.Pro346Ser (NM_001170628.1); short protein forms P346S, P666S, P670S, P672S, P695S, P705S.
Identifiers: ClinVar variation 2443535 (VCV002443535.1), dbSNP rs868960662, ClinGen allele CA414514268.
Genomic context (GRCh38, chrX:148,956,158, plus strand): 5'-AGACCTAACATCCCTTTGGCTCCCGAGAAGAAGAAGTACAGAGGGCCTGGCAAGATTGTG[C>T]CAAAGTCTCGGGAATTCATTGAAACAGATTCATCTACATCTGACTCCAACACAGATCAGG-3'
Protein context (NP_002016.2, residues 695-715): KKYRGPGKIV[Pro705Ser]KSREFIETDS